The following is an entry in ClinVar:

NM_000179.3(MSH6):c.3650G>C (p.Arg1217Thr)

Gene: MSH6 (mutS homolog 6; plus strand). Cytogenetic location: 2p16.3.
Variant type: single nucleotide variant.
Coding change: c.3650G>C on transcript NM_000179.3 (MANE Select); coding-DNA position 3650, G replaced by C.
Protein change: p.Arg1217Thr; replaces arginine 1217 with threonine.
Molecular consequence: missense variant.
Genome position (GRCh38, 1-based): chr2:47,806,207, G>C. VCF-style: chr2-47806207-G-C. GRCh37 (hg19) VCF-style: chr2-48033346-G-C.
Other names: c.3260G>C, p.Arg1087Thr (NM_001281492.2); c.2744G>C, p.Arg915Thr (NM_001281493.2, NM_001281494.2); c.3650G>C (NM_000179.2); short protein forms R1087T, R1217T, R915T.
Identifiers: ClinVar variation 1021892 (VCV001021892.11), dbSNP rs63749898, ClinGen allele CA346760815.
Genomic context (GRCh38, chr2:47,806,207, plus strand): 5'-TCCTTTTTTGTTTTAATTCCTTTGAGTTACTTCCTTATGCATATTTTACTTTAACAGGAA[G>C]AGGTACTGCAACATTTGATGGGACGGCAATAGCAAATGCAGTTGTTAAAGAACTTGCTGA-3'
Protein context (NP_000170.1, residues 1207-1227): HSLVLVDELG[Arg1217Thr]GTATFDGTAI

ClinVar aggregate classification (germline): Uncertain significance. Review status: criteria provided, multiple submitters, no conflicts (2 of 4 stars). 2 submissions from 2 submitters: Uncertain significance (2). Last evaluated 2026-09-06.

Conditions:
Hereditary cancer-predisposing syndrome. Also called: Tumor predisposition; Hereditary Cancer Syndrome; Hereditary neoplastic syndrome; Neoplastic Syndromes, Hereditary. Identifiers: Orphanet 140162, MedGen C0027672, MeSH D009386, MONDO:0015356.
Hereditary nonpolyposis colorectal neoplasms. Identifiers: MedGen C0009405, MeSH D003123.

Submissions (2):

Ambry Genetics
Classification: Uncertain significance for Hereditary cancer-predisposing syndrome. Last evaluated: 2026-09-06. Review status: criteria provided, single submitter. Criteria: Ambry Variant Classification Scheme 2023. Collection method: clinical testing. Allele origin: germline.
Comment: The p.R1217T variant (also known as c.3650G>C), located in coding exon 8 of the MSH6 gene, results from a G to C substitution at nucleotide position 3650. The arginine at codon 1217 is replaced by threonine, an amino acid with similar properties. This amino acid position is conserved. In addition, this alteration is predicted to be deleterious by in silico analysis. Based on the available evidence, the clinical significance of this variant remains unclear.

Labcorp Genetics (formerly Invitae), Labcorp
Classification: Uncertain significance for Hereditary nonpolyposis colorectal neoplasms. Last evaluated: 2020-03-31. Review status: criteria provided, single submitter. Criteria: Invitae Variant Classification Sherloc (09022015). Collection method: clinical testing. Allele origin: germline.
Comment: In summary, the available evidence is currently insufficient to determine the role of this variant in disease. Therefore, it has been classified as a Variant of Uncertain Significance. This variant is not present in population databases (ExAC no frequency). This sequence change replaces arginine with threonine at codon 1217 of the MSH6 protein (p.Arg1217Thr). The arginine residue is highly conserved and there is a moderate physicochemical difference between arginine and threonine. Algorithms developed to predict the effect of missense changes on protein structure and function (SIFT, PolyPhen-2, Align-GVGD) all suggest that this variant is likely to be disruptive, but these predictions have not been confirmed by published functional studies and their clinical significance is uncertain. This variant has not been reported in the literature in individuals with MSH6-related conditions.